The following is an entry in ClinVar:

ClinVar aggregate classification (germline): Pathogenic (1 of 4 stars; one submission).

Conditions:
Combined pituitary hormone deficiencies, genetic form. Also called: Pituitary hormone deficiency, combined. Identifiers: Orphanet 95494, MedGen C4273747, MONDO:0013099.

Submission:

Women's Health and Genetics/Laboratory Corporation of America, LabCorp
Classification: Pathogenic for Combined pituitary hormone deficiencies, genetic form. Last evaluated: 2026-06-08. Review status: criteria provided, single submitter. Criteria: LabCorp Variant Classification Summary - May 2015. Collection method: clinical testing. Allele origin: germline.
Comment: Variant summary: The variant involves the deletion of exons 1-6 in the POU1F1 gene. A presumed nomenclature of c.(?_-123)_(*491_?)del has been designated for the purposes of this classification. The variant was absent in 21694 control chromosomes. This deletion includes the entire coding sequence of the gene. As the exact proximal and distal breakpoints are unknown, it may extend beyond the annotated region of the gene to include other flanking genes. Loss-of-function variants in this gene are known to be pathogenic. c.(?_-123)_(*491_?)del has been observed in compound heterozygous individual(s) affected with POU1F1-related conditions (e.g. Pfaffle_1992). These data indicate that the variant is likely to be associated with disease. To our knowledge, no experimental evidence demonstrating an impact on protein function has been reported. The following publication has been ascertained in the context of this evaluation (PMID: 1509263). No submitters have cited clinical-significance assessments for this variant to ClinVar. Based on the evidence outlined above, the variant was classified as pathogenic.

Literature cited by the submitters: PubMed 1509263.

NC_000003.11:g.(?_87308553)_(87325735_?)del

Gene: POU1F1 (POU class 1 homeobox 1; minus strand). Cytogenetic location: 3p11.2.
Variant type: Deletion.
Identifiers: ClinVar variation 4887451 (VCV004887451.1).